The following is an entry in ClinVar:

NM_025144.4(ALPK1):c.1421G>A (p.Cys474Tyr)

Gene: ALPK1 (alpha kinase 1; plus strand). Cytogenetic location: 4q25.
Variant type: single nucleotide variant.
Coding change: c.1421G>A on transcript NM_025144.4 (MANE Select); coding-DNA position 1421, G replaced by A.
Protein change: p.Cys474Tyr; replaces cysteine 474 with tyrosine.
Molecular consequence: missense variant.
Genome position (GRCh38, 1-based): chr4:112,430,968, G>A. VCF-style: chr4-112430968-G-A. GRCh37 (hg19) VCF-style: chr4-113352124-G-A.
Other names: c.1421G>A, p.Cys474Tyr (NM_001102406.2); c.1187G>A, p.Cys396Tyr (NM_001253884.2); short protein forms C474Y, C396Y.
Identifiers: ClinVar variation 4701375 (VCV004701375.1).

ClinVar aggregate classification (germline): Uncertain significance (1 of 4 stars; one submission).

Submission:

Labcorp Genetics (formerly Invitae), Labcorp
Classification: Uncertain significance. Last evaluated: 2025-09-14. Review status: criteria provided, single submitter. Criteria: Invitae Variant Classification Sherloc (09022015). Collection method: clinical testing. Allele origin: germline.
Comment: This sequence change replaces cysteine, which is neutral and slightly polar, with tyrosine, which is neutral and polar, at codon 474 of the ALPK1 protein (p.Cys474Tyr). This variant is not present in population databases (gnomAD no frequency). This variant has not been reported in the literature in individuals affected with ALPK1-related conditions. Invitae Evidence Modeling of protein sequence and biophysical properties (such as structural, functional, and spatial information, amino acid conservation, physicochemical variation, residue mobility, and thermodynamic stability) indicates that this missense variant is expected to disrupt ALPK1 protein function with a positive predictive value of 80%. In summary, the available evidence is currently insufficient to determine the role of this variant in disease. Therefore, it has been classified as a Variant of Uncertain Significance.